The following is an entry in ClinVar:

ClinVar aggregate classification (germline): Pathogenic (1 of 4 stars; one submission).

Conditions:
Progressive sclerosing poliodystrophy (MTDPS4A). Also called: ALPERS PROGRESSIVE INFANTILE POLIODYSTROPHY; NEURONAL DEGENERATION OF CHILDHOOD WITH LIVER DISEASE, PROGRESSIVE; Alpers Syndrome; ALPERS DIFFUSE DEGENERATION OF CEREBRAL GRAY MATTER WITH HEPATIC CIRRHOSIS; Alpers-Huttenlocher Syndrome; Mitochondrial DNA Depletion Syndrome 4A. Identifiers: Orphanet 726, MedGen C0205710, MONDO:0008758, OMIM 203700.

Allele frequency attached by ClinVar (database versions not stated): gnomAD exomes below 0.00001.
gnomAD v4.1: 2 of 1,614,234 alleles (0.00012%); highest among the groups gnomAD compares: Non-Finnish European, 0.00017%; no homozygotes.

Submission:

Labcorp Genetics (formerly Invitae), Labcorp
Classification: Pathogenic for Progressive sclerosing poliodystrophy. Last evaluated: 2022-10-29. Review status: criteria provided, single submitter. Criteria: Invitae Variant Classification Sherloc (09022015). Collection method: clinical testing. Allele origin: germline.
Comment: For these reasons, this variant has been classified as Pathogenic. This variant has not been reported in the literature in individuals affected with POLG-related conditions. This variant is not present in population databases (gnomAD no frequency). This sequence change creates a premature translational stop signal (p.Trp484*) in the POLG gene. It is expected to result in an absent or disrupted protein product. Loss-of-function variants in POLG are known to be pathogenic (PMID: 18546365).

Literature cited by the submitters: PubMed 18546365.

NM_002693.3(POLG):c.1451G>A (p.Trp484Ter)

Gene: POLG (DNA polymerase gamma, catalytic subunit; minus strand). Cytogenetic location: 15q26.1.
Variant type: single nucleotide variant.
Coding change: c.1451G>A on transcript NM_002693.3 (MANE Select); coding-DNA position 1451, G replaced by A.
Protein change: p.Trp484Ter; replaces tryptophan 484 with a stop codon.
Molecular consequence: nonsense.
Genome position (GRCh38, 1-based): chr15:89,327,046, C>T on the plus strand (G>A on the coding strand, the complement: POLG is on the minus strand). VCF-style: chr15-89327046-C-T. GRCh37 (hg19) VCF-style: chr15-89870277-C-T.
Other names: c.1451G>A, p.Trp484Ter (NM_001126131.2); short protein forms W484*.
Identifiers: ClinVar variation 2810586 (VCV002810586.3), dbSNP rs2509255117, ClinGen allele CA393761192.